The following is an entry in ClinVar:

NM_000179.3(MSH6):c.1597G>A (p.Glu533Lys)

Gene: MSH6 (mutS homolog 6; plus strand). Cytogenetic location: 2p16.3.
Variant type: single nucleotide variant.
Coding change: c.1597G>A on transcript NM_000179.3 (MANE Select); coding-DNA position 1597, G replaced by A.
Protein change: p.Glu533Lys; replaces glutamic acid 533 with lysine.
Molecular consequence: missense variant.
Genome position (GRCh38, 1-based): chr2:47,799,580, G>A. VCF-style: chr2-47799580-G-A. GRCh37 (hg19) VCF-style: chr2-48026719-G-A.
Other names: c.1207G>A, p.Glu403Lys (NM_001281492.2); c.691G>A, p.Glu231Lys (NM_001281493.2, NM_001281494.2); short protein forms E403K, E231K, E533K.
Identifiers: ClinVar variation 935085 (VCV000935085.13), dbSNP rs1553412979, ClinGen allele CA346746934.
Genomic context (GRCh38, chr2:47,799,580, plus strand): 5'-ATCTGTAGGATCATTACCAAGGGTACACAGACTTACAGTGTGCTGGAAGGTGATCCCTCT[G>A]AGAACTACAGTAAGTATCTTCTTAGCCTCAAAGAAAAAGAGGAAGATTCTTCTGGCCATA-3'
Protein context (NP_000170.1, residues 523-543): TYSVLEGDPS[Glu533Lys]NYSKYLLSLK

ClinVar aggregate classification (germline): Uncertain significance. Review status: criteria provided, multiple submitters, no conflicts (2 of 4 stars). 2 submissions from 2 submitters: Uncertain significance (2). Last evaluated 2025-07-01.

Conditions:
Hereditary cancer-predisposing syndrome. Also called: Tumor predisposition; Hereditary neoplastic syndrome; Hereditary Cancer Syndrome; Neoplastic Syndromes, Hereditary. Identifiers: Orphanet 140162, MedGen C0027672, MeSH D009386, MONDO:0015356.
Hereditary nonpolyposis colorectal neoplasms. Identifiers: MedGen C0009405, MeSH D003123.

Submissions (2):

Ambry Genetics
Classification: Uncertain significance for Hereditary cancer-predisposing syndrome. Last evaluated: 2025-07-01. Review status: criteria provided, single submitter. Criteria: Ambry Variant Classification Scheme 2023. Collection method: clinical testing. Allele origin: germline.
Comment: The p.E533K variant (also known as c.1597G>A), located in coding exon 4 of the MSH6 gene, results from a G to A substitution at nucleotide position 1597. The glutamic acid at codon 533 is replaced by lysine, an amino acid with similar properties. This amino acid position is well conserved in available vertebrate species. In addition, the in silico prediction for this alteration is inconclusive. Based on the available evidence, the clinical significance of this variant remains unclear.

Labcorp Genetics (formerly Invitae), Labcorp
Classification: Uncertain significance for Hereditary nonpolyposis colorectal neoplasms. Last evaluated: 2024-08-05. Review status: criteria provided, single submitter. Criteria: Invitae Variant Classification Sherloc (09022015). Collection method: clinical testing. Allele origin: germline.
Comment: This sequence change replaces glutamic acid, which is acidic and polar, with lysine, which is basic and polar, at codon 533 of the MSH6 protein (p.Glu533Lys). This variant is not present in population databases (gnomAD no frequency). This variant has not been reported in the literature in individuals affected with MSH6-related conditions. ClinVar contains an entry for this variant (Variation ID: 935085). Advanced modeling of protein sequence and biophysical properties (such as structural, functional, and spatial information, amino acid conservation, physicochemical variation, residue mobility, and thermodynamic stability) performed at Invitae indicates that this missense variant is not expected to disrupt MSH6 protein function with a negative predictive value of 95%. In summary, the available evidence is currently insufficient to determine the role of this variant in disease. Therefore, it has been classified as a Variant of Uncertain Significance.